The following is an entry in ClinVar:

ClinVar aggregate classification (germline): Uncertain significance. Review status: criteria provided, multiple submitters, no conflicts (2 of 4 stars). 4 submissions from 4 submitters: Uncertain significance (3). 1 of the submissions does not count toward it. Last evaluated 2025-04-13.

Conditions:
Epilepsy, idiopathic generalized, susceptibility to, 11 (EIG11). Identifiers: Orphanet 307, MedGen C2750893, MONDO:0011875, OMIM 607628.
Familial hyperaldosteronism type II. Also called: FH II. Identifiers: Orphanet 404, MedGen C1854107, MONDO:0011576, OMIM 605635.
Leukoencephalopathy with mild cerebellar ataxia and white matter edema (LKPAT). Also called: Leukoencephalopathy with ataxia; Leukoencephalopathy with white matter edema; Brain white matter edema; CLCN2-Related Leukoencephalopathy. Identifiers: Orphanet 363540, MedGen C4554120, MONDO:0014292, OMIM 615651. Disease mechanism: loss of function.
Inborn genetic diseases. Identifiers: MedGen C0950123, MeSH D030342.
CLCN2-related disorder. Also called: CLCN2-related condition; CLCN2-related disorders.

Allele frequency attached by ClinVar (database versions not stated): gnomAD exomes 0.00004; ExAC 0.00008; ESP Exome Variant Server 0.00015; 1000 Genomes Project 30x 0.00016; 1000 Genomes Project 0.00020; gnomAD 0.00038; TOPMed 0.00045.
gnomAD v4.1: 117 of 1,613,554 alleles (0.0073%); highest among the groups gnomAD compares: African/African-American, 0.15%; no homozygotes.

Submissions (4):

Ambry Genetics
Classification: Uncertain significance for Inborn genetic diseases. Last evaluated: 2025-04-13. Review status: criteria provided, single submitter. Criteria: Ambry Variant Classification Scheme 2023. Collection method: clinical testing. Allele origin: germline.

Labcorp Genetics (formerly Invitae), Labcorp
Classification: Uncertain significance. Last evaluated: 2025-03-06. Review status: criteria provided, single submitter. Criteria: Invitae Variant Classification Sherloc (09022015). Collection method: clinical testing. Allele origin: germline.
Comment: This sequence change replaces serine, which is neutral and polar, with threonine, which is neutral and polar, at codon 331 of the CLCN2 protein (p.Ser331Thr). This variant is present in population databases (rs369933204, gnomAD 0.1%). This variant has not been reported in the literature in individuals affected with CLCN2-related conditions. ClinVar contains an entry for this variant (Variation ID: 1966060). Invitae Evidence Modeling of protein sequence and biophysical properties (such as structural, functional, and spatial information, amino acid conservation, physicochemical variation, residue mobility, and thermodynamic stability) indicates that this missense variant is not expected to disrupt CLCN2 protein function with a negative predictive value of 80%. In summary, the available evidence is currently insufficient to determine the role of this variant in disease. Therefore, it has been classified as a Variant of Uncertain Significance.

Fulgent Genetics
Classification: Uncertain significance for Familial hyperaldosteronism type II; Epilepsy, idiopathic generalized, susceptibility to, 11; Leukoencephalopathy with mild cerebellar ataxia and white matter edema. Last evaluated: 2024-03-28. Review status: criteria provided, single submitter. Criteria: ACMG Guidelines, 2015. Collection method: clinical testing. Allele origin: germline.

PreventionGenetics, part of Exact Sciences
Classification: Uncertain significance for CLCN2-related condition. Last evaluated: 2024-08-04. Review status: no assertion criteria provided. Collection method: clinical testing. Allele origin: germline. Not counted in ClinVar's aggregate classification.
Comment: The CLCN2 c.992G>C variant is predicted to result in the amino acid substitution p.Ser331Thr. To our knowledge, this variant has not been reported in the literature. This variant is reported in 0.11% of alleles in individuals of African descent in gnomAD. Although we suspect that this variant may be benign, at this time, the clinical significance of this variant is uncertain due to the absence of conclusive functional and genetic evidence.

NM_004366.6(CLCN2):c.992G>C (p.Ser331Thr)

Gene: CLCN2 (chloride voltage-gated channel 2; minus strand). Cytogenetic location: 3q27.1.
Variant type: single nucleotide variant.
Coding change: c.992G>C on transcript NM_004366.6 (MANE Select); coding-DNA position 992, G replaced by C.
Protein change: p.Ser331Thr; replaces serine 331 with threonine.
Molecular consequence: missense variant.
Genome position (GRCh38, 1-based): chr3:184,357,086, C>G on the plus strand (G>C on the coding strand, the complement: CLCN2 is on the minus strand). VCF-style: chr3-184357086-C-G. GRCh37 (hg19) VCF-style: chr3-184074874-C-G.
Other names: c.992G>C (NM_004366.5); c.992G>C, p.Ser331Thr (NM_001171087.3, NM_001171089.3); c.860G>C, p.Ser287Thr (NM_001171088.3); short protein forms S287T, S331T.
Identifiers: ClinVar variation 1966060 (VCV001966060.9), dbSNP rs369933204, ClinGen allele CA2734269.